The following is an entry in ClinVar:

ClinVar aggregate classification (germline): Conflicting classifications of pathogenicity. Review status: criteria provided, conflicting classifications (1 of 4 stars). 2 submissions from 2 submitters: Uncertain significance (1); Likely benign (1). Last evaluated 2024-09-24.

Conditions:
Renal cell carcinoma. Identifiers: Orphanet 217071, MedGen C0007134, MeSH D002292, MONDO:0005086, HP:0005584.
Hereditary cancer-predisposing syndrome. Also called: Hereditary Cancer Syndrome; Tumor predisposition; Hereditary neoplastic syndrome; Neoplastic Syndromes, Hereditary. Identifiers: Orphanet 140162, MedGen C0027672, MeSH D009386, MONDO:0015356.

gnomAD v4.1: 1 of 1,612,958 alleles (0.000062%); highest among the groups gnomAD compares: Non-Finnish European, 0.000085%; no homozygotes.

Submissions (2):

Ambry Genetics
Classification: Likely benign for Hereditary cancer-predisposing syndrome. Last evaluated: 2024-09-24. Review status: criteria provided, single submitter. Criteria: Ambry Variant Classification Scheme 2023. Collection method: clinical testing. Allele origin: germline.

Labcorp Genetics (formerly Invitae), Labcorp
Classification: Uncertain significance for Renal cell carcinoma. Last evaluated: 2024-06-26. Review status: criteria provided, single submitter. Criteria: Invitae Variant Classification Sherloc (09022015). Collection method: clinical testing. Allele origin: germline.
Comment: This sequence change replaces alanine, which is neutral and non-polar, with threonine, which is neutral and polar, at codon 564 of the MET protein (p.Ala564Thr). This variant is not present in population databases (gnomAD no frequency). This variant has not been reported in the literature in individuals affected with MET-related conditions. Advanced modeling of protein sequence and biophysical properties (such as structural, functional, and spatial information, amino acid conservation, physicochemical variation, residue mobility, and thermodynamic stability) performed at Invitae indicates that this missense variant is not expected to disrupt MET protein function with a negative predictive value of 80%. In summary, the available evidence is currently insufficient to determine the role of this variant in disease. Therefore, it has been classified as a Variant of Uncertain Significance.

NM_000245.4(MET):c.1690G>A (p.Ala564Thr)

Gene: MET (MET proto-oncogene, receptor tyrosine kinase; plus strand). Cytogenetic location: 7q31.2.
Variant type: single nucleotide variant.
Coding change: c.1690G>A on transcript NM_000245.4 (MANE Select); coding-DNA position 1690, G replaced by A.
Protein change: p.Ala564Thr; replaces alanine 564 with threonine.
Molecular consequence: missense variant.
Genome position (GRCh38, 1-based): chr7:116,741,014, G>A. VCF-style: chr7-116741014-G-A. GRCh37 (hg19) VCF-style: chr7-116381068-G-A.
Other names: c.1690G>A, p.Ala564Thr (NM_001127500.3, NM_001324401.3); c.400G>A, p.Ala134Thr (NM_001324402.2); short protein forms A134T, A564T.
Identifiers: ClinVar variation 3395154 (VCV003395154.3).